The following is an entry in ClinVar:

ClinVar aggregate classification (germline): Uncertain significance. Review status: criteria provided, multiple submitters, no conflicts (2 of 4 stars). 2 submissions from 2 submitters: Uncertain significance (2). Last evaluated 2025-09-07.

Conditions:
Hereditary cancer-predisposing syndrome. Also called: Hereditary neoplastic syndrome; Neoplastic Syndromes, Hereditary; Hereditary Cancer Syndrome; Tumor predisposition. Identifiers: Orphanet 140162, MedGen C0027672, MeSH D009386, MONDO:0015356.
BAP1-related tumor predisposition syndrome (TPDS1). Also called: COMMON Syndrome; TUMOR PREDISPOSITION SYNDROME 1; Tumor susceptibility linked to germline BAP1 mutations; BAP1 tumor predisposition syndrome. Identifiers: Orphanet 289539, MedGen C3280492, MONDO:0013692, OMIM 614327.

Submissions (2):

Labcorp Genetics (formerly Invitae), Labcorp
Classification: Uncertain significance for BAP1-related tumor predisposition syndrome. Last evaluated: 2025-09-07. Review status: criteria provided, single submitter. Criteria: Invitae Variant Classification Sherloc (09022015). Collection method: clinical testing. Allele origin: germline.
Comment: This sequence change falls in intron 10 of the BAP1 gene. It does not directly change the encoded amino acid sequence of the BAP1 protein. It affects a nucleotide within the consensus splice site. This variant is not present in population databases (gnomAD no frequency). This variant has not been reported in the literature in individuals affected with BAP1-related conditions. ClinVar contains an entry for this variant (Variation ID: 2168067). Variants that disrupt the consensus splice site are a relatively common cause of aberrant splicing (PMID: 17576681, 9536098). Algorithms developed to predict the effect of sequence changes on RNA splicing suggest that this variant is not likely to affect RNA splicing. In summary, the available evidence is currently insufficient to determine the role of this variant in disease. Therefore, it has been classified as a Variant of Uncertain Significance.

Color Diagnostics, LLC DBA Color Health
Classification: Uncertain significance for Hereditary cancer-predisposing syndrome. Last evaluated: 2021-08-31. Review status: criteria provided, single submitter. Criteria: ACMG Guidelines, 2015. Collection method: clinical testing. Allele origin: germline.
Comment: This variant causes a G to C nucleotide substitution at the +6 position of intron 10 of the BAP1 gene. To our knowledge, functional studies have not been reported for this variant. This variant has not been reported in individuals affected with hereditary cancer in the literature. This variant has not been identified in the general population by the Genome Aggregation Database (gnomAD). The available evidence is insufficient to determine the role of this variant in disease conclusively. Therefore, this variant is classified as a Variant of Uncertain Significance.

Literature cited by the submitters: PubMed 17576681 (cited by Labcorp Genetics (formerly Invitae), Labcorp); PubMed 9536098 (cited by Labcorp Genetics (formerly Invitae), Labcorp).

NM_004656.4(BAP1):c.931+6G>C

Gene: BAP1 (BRCA1 associated deubiquitinase 1; minus strand). Cytogenetic location: 3p21.1.
Variant type: single nucleotide variant.
Coding change: c.931+6G>C on transcript NM_004656.4 (MANE Select); 6 bases into the intron after coding-DNA position 931, G replaced by C.
Molecular consequence: intron variant.
Genome position (GRCh38, 1-based): chr3:52,405,759, C>G on the plus strand (G>C on the coding strand, the complement: BAP1 is on the minus strand). VCF-style: chr3-52405759-C-G. GRCh37 (hg19) VCF-style: chr3-52439775-C-G.
Identifiers: ClinVar variation 2168067 (VCV002168067.6), dbSNP rs182594226, ClinGen allele CA2580070282.
Genomic context (GRCh38, chr3:52,405,759, plus strand): 5'-GGCCTCCCATGTCAGACATTAGCGGGTGGCTCTGAGGTCCACAAGAGGTCCCAAACCCCC[C>G]AGTACCTGTGTGGTTGCCCTCAGAGGCTGCAGGGGCCCTGTTTGCTTCCAGCACCAGCGG-3'